The following is an entry in ClinVar:

NM_005148.4(UNC119):c.254A>C (p.Lys85Thr)

Gene: UNC119 (unc-119 lipid binding chaperone; minus strand). Cytogenetic location: 17q11.2.
Variant type: single nucleotide variant.
Coding change: c.254A>C on transcript NM_005148.4 (MANE Select); coding-DNA position 254, A replaced by C.
Protein change: p.Lys85Thr; replaces lysine 85 with threonine.
Molecular consequence: missense variant. On other transcripts: 5 prime UTR variant (1).
Genome position (GRCh38, 1-based): chr17:28,548,672, T>G on the plus strand (A>C on the coding strand, the complement: UNC119 is on the minus strand). VCF-style: chr17-28548672-T-G. GRCh37 (hg19) VCF-style: chr17-26875690-T-G.
Other names: c.-32A>C (NM_001330166.2); c.254A>C, p.Lys85Thr (NM_054035.2); short protein forms K85T.
Identifiers: ClinVar variation 2089571 (VCV002089571.4), dbSNP rs2508466806, ClinGen allele CA398332844.

ClinVar aggregate classification (germline): Uncertain significance (1 of 4 stars; one submission).

Submission:

Labcorp Genetics (formerly Invitae), Labcorp
Classification: Uncertain significance. Last evaluated: 2022-01-26. Review status: criteria provided, single submitter. Criteria: Invitae Variant Classification Sherloc (09022015). Collection method: clinical testing. Allele origin: germline.
Comment: This sequence change replaces lysine, which is basic and polar, with threonine, which is neutral and polar, at codon 85 of the UNC119 protein (p.Lys85Thr). This variant is not present in population databases (gnomAD no frequency). This variant has not been reported in the literature in individuals affected with UNC119-related conditions. Algorithms developed to predict the effect of missense changes on protein structure and function are either unavailable or do not agree on the potential impact of this missense change (SIFT: "Not Available"; PolyPhen-2: "Benign"; Align-GVGD: "Not Available"). In summary, the available evidence is currently insufficient to determine the role of this variant in disease. Therefore, it has been classified as a Variant of Uncertain Significance.